The following is an entry in ClinVar:

ClinVar aggregate classification (germline): Uncertain significance. Review status: criteria provided, multiple submitters, no conflicts (2 of 4 stars). 2 submissions from 2 submitters: Uncertain significance (2). Last evaluated 2022-03-14.

Conditions:
Duchenne muscular dystrophy (DMD). Also called: MUSCULAR DYSTROPHY, PSEUDOHYPERTROPHIC PROGRESSIVE, DUCHENNE TYPE; Duchenne Muscular Dystrophy (DMD). Identifiers: Orphanet 98896, MedGen C0013264, MONDO:0010679, OMIM 310200.

gnomAD v4.1: 1 of 1,210,947 alleles (0.000083%); highest among the groups gnomAD compares: Non-Finnish European, 0.00011%; no homozygotes.

Submissions (2):

Labcorp Genetics (formerly Invitae), Labcorp
Classification: Uncertain significance for Duchenne muscular dystrophy. Last evaluated: 2022-03-14. Review status: criteria provided, single submitter. Criteria: Invitae Variant Classification Sherloc (09022015). Collection method: clinical testing. Allele origin: germline.
Comment: This sequence change replaces glycine, which is neutral and non-polar, with valine, which is neutral and non-polar, at codon 995 of the DMD protein (p.Gly995Val). This variant is not present in population databases (gnomAD no frequency). This variant has not been reported in the literature in individuals affected with DMD-related conditions. ClinVar contains an entry for this variant (Variation ID: 1319137). Algorithms developed to predict the effect of missense changes on protein structure and function are either unavailable or do not agree on the potential impact of this missense change (SIFT: "Tolerated"; PolyPhen-2: "Possibly Damaging"; Align-GVGD: "Class C0"). Algorithms developed to predict the effect of sequence changes on RNA splicing suggest that this variant may create or strengthen a splice site. In summary, the available evidence is currently insufficient to determine the role of this variant in disease. Therefore, it has been classified as a Variant of Uncertain Significance.

Institute for Clinical Genetics, University Hospital TU Dresden, University Hospital TU Dresden
Classification: Uncertain significance. Last evaluated: 2021-11-03. Review status: criteria provided, single submitter. Criteria: ACMG Guidelines, 2015. Collection method: clinical testing. Allele origin: germline.

NM_004006.3(DMD):c.2984G>T (p.Gly995Val)

Gene: DMD (dystrophin; minus strand). Cytogenetic location: Xp21.1.
Variant type: single nucleotide variant.
Coding change: c.2984G>T on transcript NM_004006.3 (MANE Select); coding-DNA position 2984, G replaced by T.
Protein change: p.Gly995Val; replaces glycine 995 with valine.
Molecular consequence: missense variant.
Genome position (GRCh38, 1-based): chrX:32,468,676, C>A on the plus strand (G>T on the coding strand, the complement: DMD is on the minus strand). VCF-style: chrX-32468676-C-A. GRCh37 (hg19) VCF-style: chrX-32486793-C-A.
Other names: c.2960G>T, p.Gly987Val (NM_000109.4); c.2972G>T, p.Gly991Val (NM_004009.3); c.2615G>T, p.Gly872Val (NM_004010.3); short protein forms G872V, G987V, G991V, G995V.
Identifiers: ClinVar variation 1319137 (VCV001319137.8), dbSNP rs2148460524, ClinGen allele CA412667119.